The following is an entry in ClinVar:

ClinVar aggregate classification (germline): Uncertain significance (1 of 4 stars; one submission).

Conditions:
Hereditary cancer-predisposing syndrome. Also called: Tumor predisposition; Neoplastic Syndromes, Hereditary; Hereditary Cancer Syndrome; Hereditary neoplastic syndrome. Identifiers: Orphanet 140162, MedGen C0027672, MeSH D009386, MONDO:0015356.

Submission:

Ambry Genetics
Classification: Uncertain significance for Hereditary cancer-predisposing syndrome. Last evaluated: 2024-09-21. Review status: criteria provided, single submitter. Criteria: Ambry Variant Classification Scheme 2023. Collection method: clinical testing. Allele origin: germline.
Comment: The p.S183C variant (also known as c.548C>G), located in coding exon 2 of the CDKN1B gene, results from a C to G substitution at nucleotide position 548. The serine at codon 183 is replaced by cysteine, an amino acid with dissimilar properties. This amino acid position is conserved. In addition, this alteration is predicted to be tolerated by in silico analysis. Based on the available evidence, the clinical significance of this variant remains unclear.

NM_004064.5(CDKN1B):c.548C>G (p.Ser183Cys)

Gene: CDKN1B (cyclin dependent kinase inhibitor 1B; plus strand). Cytogenetic location: 12p13.1.
Variant type: single nucleotide variant.
Coding change: c.548C>G on transcript NM_004064.5 (MANE Select); coding-DNA position 548, C replaced by G.
Protein change: p.Ser183Cys; replaces serine 183 with cysteine.
Molecular consequence: missense variant.
Genome position (GRCh38, 1-based): chr12:12,718,897, C>G. VCF-style: chr12-12718897-C-G. GRCh37 (hg19) VCF-style: chr12-12871831-C-G.
Other names: short protein forms S183C.
Identifiers: ClinVar variation 3489631 (VCV003489631.1).